The following is an entry in ClinVar:

ClinVar aggregate classification (germline): Uncertain significance (1 of 4 stars; one submission).

Conditions:
Immunodeficiency, common variable, 10. Also called: DEFICIT IN ANTERIOR PITUITARY FUNCTION AND VARIABLE IMMUNODEFICIENCY; IMMUNODEFICIENCY, COMMON VARIABLE, WITH CENTRAL ADRENAL INSUFFICIENCY. Identifiers: MedGen C3809991, MONDO:0014260, OMIM 615577.

Allele frequency attached by ClinVar (database versions not stated): gnomAD exomes below 0.00001.
gnomAD v4.1: 2 of 1,551,048 alleles (0.00013%); highest among the groups gnomAD compares: African/African-American, 0.0014%; no homozygotes.

Submission:

Labcorp Genetics (formerly Invitae), Labcorp
Classification: Uncertain significance for Immunodeficiency, common variable, 10. Last evaluated: 2023-01-19. Review status: criteria provided, single submitter. Criteria: Invitae Variant Classification Sherloc (09022015). Collection method: clinical testing. Allele origin: germline.
Comment: Algorithms developed to predict the effect of missense changes on protein structure and function (SIFT, PolyPhen-2, Align-GVGD) all suggest that this variant is likely to be tolerated. This variant has not been reported in the literature in individuals affected with NFKB2-related conditions. This variant is not present in population databases (gnomAD no frequency). This sequence change replaces asparagine, which is neutral and polar, with lysine, which is basic and polar, at codon 447 of the NFKB2 protein (p.Asn447Lys). In summary, the available evidence is currently insufficient to determine the role of this variant in disease. Therefore, it has been classified as a Variant of Uncertain Significance.

NM_001322934.2(NFKB2):c.1341C>G (p.Asn447Lys)

Genes: NFKB2 (nuclear factor kappa B subunit 2; plus strand), LOC130004599 (ATAC-STARR-seq lymphoblastoid silent region 2756; plus strand). Cytogenetic location: 10q24.32.
Variant type: single nucleotide variant.
Coding change: c.1341C>G on transcript NM_001322934.2 (MANE Select); coding-DNA position 1341, C replaced by G.
Protein change: p.Asn447Lys; replaces asparagine 447 with lysine.
Molecular consequence: missense variant.
Genome position (GRCh38, 1-based): chr10:102,399,590, C>G. VCF-style: chr10-102399590-C-G. GRCh37 (hg19) VCF-style: chr10-104159347-C-G.
Other names: c.1341C>G, p.Asn447Lys (NM_001077493.1, NM_001077494.3, NM_001261403.3 and 2 more transcripts); c.1215C>G, p.Asn405Lys (NM_001322935.1); short protein forms N405K, N447K.
Identifiers: ClinVar variation 1936892 (VCV001936892.5), dbSNP rs556745329, ClinGen allele CA377899419.